The following is an entry in ClinVar:

ClinVar aggregate classification (germline): Uncertain significance (1 of 4 stars; one submission).

Allele frequency attached by ClinVar (database versions not stated): gnomAD exomes below 0.00001.
gnomAD v4.1: 1 of 1,614,182 alleles (0.000062%); highest among the groups gnomAD compares: Non-Finnish European, 0.000085%; no homozygotes.

Submission:

Ambry Genetics
Classification: Uncertain significance. Last evaluated: 2024-06-21. Review status: criteria provided, single submitter. Criteria: Ambry Variant Classification Scheme 2023. Collection method: clinical testing. Allele origin: germline.
Comment: The p.G1442D variant (also known as c.4325G>A), located in coding exon 4 of the ALPK2 gene, results from a G to A substitution at nucleotide position 4325. The glycine at codon 1442 is replaced by aspartic acid, an amino acid with similar properties. This amino acid position is conserved. In addition, this alteration is predicted to be tolerated by in silico analysis. Since supporting evidence is limited at this time, the clinical significance of this alteration remains unclear.

NM_052947.4(ALPK2):c.4325G>A (p.Gly1442Asp)

Genes: ALPK2 (alpha kinase 2; minus strand), LOC126862764 (BRD4-independent group 4 enhancer GRCh37_chr18:56202574-56203773; plus strand). Cytogenetic location: 18q21.31.
Variant type: single nucleotide variant.
Coding change: c.4325G>A on transcript NM_052947.4 (MANE Select); coding-DNA position 4325, G replaced by A.
Protein change: p.Gly1442Asp; replaces glycine 1442 with aspartic acid.
Molecular consequence: missense variant.
Genome position (GRCh38, 1-based): chr18:58,535,862, C>T on the plus strand (G>A on the coding strand, the complement: ALPK2 is on the minus strand). VCF-style: chr18-58535862-C-T. GRCh37 (hg19) VCF-style: chr18-56203094-C-T.
Other names: short protein forms G1442D.
Identifiers: ClinVar variation 1739729 (VCV001739729.3), dbSNP rs2518874966, ClinGen allele CA402563169.